The following is an entry in ClinVar:

NM_133259.4(LRPPRC):c.2343del (p.Asp783fs)

Gene: LRPPRC (leucine rich pentatricopeptide repeat containing; minus strand). Cytogenetic location: 2p21.
Variant type: Deletion.
Coding change: c.2343del on transcript NM_133259.4 (MANE Select); coding-DNA position 2343, one base deleted (C; older notation c.2343delC).
Protein change: p.Asp783fs; shifts the reading frame from aspartic acid 783.
Molecular consequence: frameshift variant.
Genome position (GRCh38, 1-based): chr2:43,943,848, G deleted on the plus strand (C on the coding strand, the reverse complement: LRPPRC is on the minus strand). VCF-style (leftmost placement, unchanged base first): chr2-43943847-TG-T. GRCh37 (hg19) VCF-style: chr2-44170986-TG-T.
Other names: short protein forms D783fs.
Identifiers: ClinVar variation 1725247 (VCV001725247.2), dbSNP rs2466555852, ClinGen allele CA2580066499.

ClinVar aggregate classification (germline): Likely pathogenic (1 of 4 stars; one submission).

Conditions:
Congenital lactic acidosis, Saguenay-Lac-Saint-Jean type (MC4DN5). Also called: MITOCHONDRIAL COMPLEX IV DEFICIENCY, NUCLEAR TYPE 5; CYTOCHROME c OXIDASE DEFICIENCY, FRENCH CANADIAN TYPE; COX DEFICIENCY, FRENCH CANADIAN TYPE. Identifiers: Orphanet 70472, MedGen C1857355, MONDO:0009069, OMIM 220111.

Submission:

Myriad Genetics, Inc.
Classification: Likely pathogenic for Congenital lactic acidosis, Saguenay-Lac-Saint-Jean type. Last evaluated: 2022-03-15. Review status: criteria provided, single submitter. Criteria: Myriad Women's Health Autosomal Recessive and X-Linked Classification Criteria (2021). Collection method: clinical testing. Allele origin: unknown.
Comment: NM_133259.3(LRPPRC):c.2343delC(D783Ifs*11) is expected to be pathogenic in the context of Leigh syndrome, French-Canadian type. This variant is predicted to lead to an abnormal or absent protein product due to the creation of a premature termination codon in LRPPRC, a gene where loss-of-function variants are known to be pathogenic. Please note: this variant was assessed in the context of healthy population screening.